The following is an entry in ClinVar:

NM_003098.3(SNTA1):c.1442C>T (p.Ser481Leu)

Gene: SNTA1 (syntrophin alpha 1; minus strand). Cytogenetic location: 20q11.21.
Variant type: single nucleotide variant.
Coding change: c.1442C>T on transcript NM_003098.3 (MANE Select); coding-DNA position 1442, C replaced by T.
Protein change: p.Ser481Leu; replaces serine 481 with leucine.
Molecular consequence: missense variant.
Genome position (GRCh38, 1-based): chr20:33,408,583, G>A on the plus strand (C>T on the coding strand, the complement: SNTA1 is on the minus strand). VCF-style: chr20-33408583-G-A. GRCh37 (hg19) VCF-style: chr20-31996389-G-A.
Other names: short protein forms S481L.
Identifiers: ClinVar variation 188145 (VCV000188145.16), dbSNP rs370531842, ClinGen allele CA334157.

ClinVar aggregate classification (germline): Conflicting classifications of pathogenicity. Review status: criteria provided, conflicting classifications (1 of 4 stars). 4 submissions from 4 submitters: Uncertain significance (3); Likely benign (1). Last evaluated 2026-01-21.

Conditions:
Cardiovascular phenotype. Identifiers: MedGen CN230736.
Long QT syndrome (LQTS). Identifiers: MedGen C0023976, MeSH D008133, MONDO:0002442. Disease mechanism: loss of function. Inheritance: Various modes of inheritance.
Long QT syndrome 12 (LQT12). Identifiers: Orphanet 101016, Orphanet 768, MedGen C2751830, MONDO:0013062, OMIM 612955.

Allele frequency attached by ClinVar (database versions not stated): ExAC 0.00002; gnomAD exomes 0.00004 and 0.00011; TOPMed 0.00005; gnomAD 0.00007; ESP Exome Variant Server 0.00008.
gnomAD v4.1: 175 of 1,613,950 alleles (0.011%); highest among the groups gnomAD compares: Non-Finnish European, 0.014%; no homozygotes.

Submissions (4):

Labcorp Genetics (formerly Invitae), Labcorp
Classification: Uncertain significance for Long QT syndrome. Last evaluated: 2026-01-21. Review status: criteria provided, single submitter. Criteria: Invitae Variant Classification Sherloc (09022015). Collection method: clinical testing. Allele origin: germline.
Comment: This sequence change replaces serine, which is neutral and polar, with leucine, which is neutral and non-polar, at codon 481 of the SNTA1 protein (p.Ser481Leu). This variant is present in population databases (rs370531842, gnomAD 0.008%). This missense change has been observed in individual(s) with sudden cardiac arrest (PMID: 30403391). ClinVar contains an entry for this variant (Variation ID: 188145). Invitae Evidence Modeling of protein sequence and biophysical properties (such as structural, functional, and spatial information, amino acid conservation, physicochemical variation, residue mobility, and thermodynamic stability) indicates that this missense variant is not expected to disrupt SNTA1 protein function with a negative predictive value of 80%. In summary, the available evidence is currently insufficient to determine the role of this variant in disease. Therefore, it has been classified as a Variant of Uncertain Significance.

Women's Health and Genetics/Laboratory Corporation of America, LabCorp
Classification: Likely benign. Last evaluated: 2024-05-21. Review status: criteria provided, single submitter. Criteria: LabCorp Variant Classification Summary - May 2015. Collection method: clinical testing. Allele origin: germline.
Comment: Variant summary: SNTA1 c.1442C>T (p.Ser481Leu) results in a non-conservative amino acid change in the encoded protein sequence. Five of five in-silico tools predict a damaging effect of the variant on protein function. The variant allele was found at a frequency of 4e-05 in 251446 control chromosomes. The observed variant frequency is approximately 12 fold of the estimated maximal expected allele frequency for a pathogenic variant in SNTA1 causing Long QT Syndrome phenotype (3.3e-06). c.1442C>T has been reported in the literature in individuals affected with sudden cardiac death (Stepien-Wojno_2018) . These report(s) do not provide unequivocal conclusions about association of the variant with Long QT Syndrome. To our knowledge, no experimental evidence demonstrating an impact on protein function has been reported. The following publication have been ascertained in the context of this evaluation (PMID: 30403391). ClinVar contains an entry for this variant (Variation ID: 188145). Based on the evidence outlined above, the variant was classified as likely benign.

Ambry Genetics
Classification: Uncertain significance for Cardiovascular phenotype. Last evaluated: 2024-03-21. Review status: criteria provided, single submitter. Criteria: Ambry Variant Classification Scheme 2023. Collection method: clinical testing. Allele origin: germline.
Comment: The p.S481L variant (also known as c.1442C>T), located in coding exon 8 of the SNTA1 gene, results from a C to T substitution at nucleotide position 1442. The serine at codon 481 is replaced by leucine, an amino acid with dissimilar properties. This amino acid position is well conserved in available vertebrate species. In addition, the in silico prediction for this alteration is inconclusive. The evidence for this gene-disease relationship is limited; therefore, the clinical significance of this alteration is unclear.

Illumina Laboratory Services, Illumina
Classification: Uncertain significance for Long QT syndrome 12. Last evaluated: 2017-04-28. Review status: criteria provided, single submitter. Criteria: ICSL Variant Classification Criteria 13 December 2019. Collection method: clinical testing. Allele origin: germline.

Literature cited by the submitters: PubMed 30403391 (cited by Labcorp Genetics (formerly Invitae), Labcorp and Women's Health and Genetics/Laboratory Corporation of America, LabCorp).